The following is an entry in ClinVar:

NM_000057.4(BLM):c.411G>T (p.Lys137Asn)

Gene: BLM (BLM RecQ like helicase; plus strand). Cytogenetic location: 15q26.1.
Variant type: single nucleotide variant.
Coding change: c.411G>T on transcript NM_000057.4 (MANE Select); coding-DNA position 411, G replaced by T.
Protein change: p.Lys137Asn; replaces lysine 137 with asparagine.
Molecular consequence: missense variant. On other transcripts: 5 prime UTR variant (1).
Genome position (GRCh38, 1-based): chr15:90,749,679, G>T. VCF-style: chr15-90749679-G-T. GRCh37 (hg19) VCF-style: chr15-91292909-G-T.
Other names: c.411G>T, p.Lys137Asn (NM_001287246.2, NM_001287247.2); c.-881G>T (NM_001287248.2); short protein forms K137N.
Identifiers: ClinVar variation 1738013 (VCV001738013.2), dbSNP rs2151147318, ClinGen allele CA393840486.

ClinVar aggregate classification (germline): Uncertain significance (1 of 4 stars; one submission).

Conditions:
Hereditary cancer-predisposing syndrome. Also called: Neoplastic Syndromes, Hereditary; Tumor predisposition; Hereditary Cancer Syndrome; Hereditary neoplastic syndrome. Identifiers: Orphanet 140162, MedGen C0027672, MeSH D009386, MONDO:0015356.

gnomAD v4.1: 1 of 1,614,148 alleles (0.000062%); highest among the groups gnomAD compares: Non-Finnish European, 0.000085%; no homozygotes.

Submission:

Ambry Genetics
Classification: Uncertain significance for Hereditary cancer-predisposing syndrome. Last evaluated: 2021-11-12. Review status: criteria provided, single submitter. Criteria: Ambry Variant Classification Scheme 2023. Collection method: clinical testing. Allele origin: germline.
Comment: The p.K137N variant (also known as c.411G>T), located in coding exon 2 of the BLM gene, results from a G to T substitution at nucleotide position 411. The lysine at codon 137 is replaced by asparagine, an amino acid with similar properties. This amino acid position is conserved. In addition, this alteration is predicted to be tolerated by in silico analysis. Since supporting evidence is limited at this time, the clinical significance of this alteration remains unclear.